The following is an entry in ClinVar:

ClinVar aggregate classification (germline): Uncertain significance (1 of 4 stars; one submission).

Conditions:
Epidermolysis bullosa simplex 3, localized or generalized intermediate, with BP230 deficiency (EBS3). Also called: Epidermolysis bullosa simplex due to BP230 deficiency; Epidermolysis bullosa simplex, autosomal recessive 2. Identifiers: Orphanet 412181, MedGen C3809470, MONDO:0014180, OMIM 615425.
Hereditary sensory and autonomic neuropathy type 6. Also called: Neuropathy, hereditary sensory and autonomic, type VI; HSAN VI. Identifiers: Orphanet 314381, MedGen C3539003, MONDO:0013839, OMIM 614653.

Allele frequency attached by ClinVar (database versions not stated): gnomAD exomes below 0.00001 and 0.00001; TOPMed below 0.00001; gnomAD 0.00001.
gnomAD v4.1: 7 of 1,613,116 alleles (0.00043%); highest among the groups gnomAD compares: Non-Finnish European, 0.00059%; no homozygotes.

Submission:

Labcorp Genetics (formerly Invitae), Labcorp
Classification: Uncertain significance for Epidermolysis bullosa simplex 3, localized or generalized intermediate, with BP230 deficiency; Hereditary sensory and autonomic neuropathy type 6. Last evaluated: 2021-09-01. Review status: criteria provided, single submitter. Criteria: Invitae Variant Classification Sherloc (09022015). Collection method: clinical testing. Allele origin: germline.
Comment: This sequence change replaces aspartic acid with glycine at codon 897 of the DST protein (p.Asp897Gly). The aspartic acid residue is highly conserved and there is a moderate physicochemical difference between aspartic acid and glycine. This variant is not present in population databases (ExAC no frequency). This variant has not been reported in the literature in individuals affected with DST-related conditions. Algorithms developed to predict the effect of missense changes on protein structure and function (SIFT, PolyPhen-2, Align-GVGD) all suggest that this variant is likely to be disruptive. Algorithms developed to predict the effect of sequence changes on RNA splicing suggest that this variant may create or strengthen a splice site. In summary, the available evidence is currently insufficient to determine the role of this variant in disease. Therefore, it has been classified as a Variant of Uncertain Significance.

NM_001374736.1(DST):c.4301A>G (p.Asp1434Gly)

Gene: DST (dystonin; minus strand). Cytogenetic location: 6p12.1.
Variant type: single nucleotide variant.
Coding change: c.4301A>G on transcript NM_001374736.1 (MANE Select); coding-DNA position 4301, A replaced by G.
Protein change: p.Asp1434Gly; replaces aspartic acid 1434 with glycine.
Molecular consequence: missense variant.
Genome position (GRCh38, 1-based): chr6:56,629,424, T>C on the plus strand (A>G on the coding strand, the complement: DST is on the minus strand). VCF-style: chr6-56629424-T-C. GRCh37 (hg19) VCF-style: chr6-56494222-T-C.
Other names: c.4202A>G, p.Asp1401Gly (NM_001144769.5); c.3788A>G, p.Asp1263Gly (NM_001144770.2); c.4301A>G, p.Asp1434Gly (NM_001374722.1); c.3668A>G, p.Asp1223Gly (NM_001374729.1, NM_001374730.1, NM_001386100.1 and 1 more transcripts); c.4328A>G, p.Asp1443Gly (NM_001374734.1); c.2690A>G, p.Asp897Gly (NM_001723.7, NM_015548.5); short protein forms D1223G, D1401G, D897G, D1263G, D1434G, D1443G.
Identifiers: ClinVar variation 646760 (VCV000646760.6), dbSNP rs111729774, ClinGen allele CA139215039.